The following is an entry in ClinVar:

NC_000014.9:g.54902906C>T

Genes: GCH1 (GTP cyclohydrolase 1; minus strand), LOC130055692 (ATAC-STARR-seq lymphoblastoid silent region 5776; plus strand). Cytogenetic location: 14q22.2.
Variant type: single nucleotide variant.
Genome position: GRCh38 VCF-style: chr14-54902906-C-T. GRCh37 (hg19) VCF-style: chr14-55369624-C-T.
Identifiers: ClinVar variation 2644248 (VCV002644248.24), dbSNP rs557733633, ClinGen allele CA260531924.

ClinVar aggregate classification (germline): Likely benign (1 of 4 stars; one submission).

Allele frequency attached by ClinVar (database versions not stated): gnomAD exomes 0.00049; 1000 Genomes Project 0.00180; gnomAD 0.00321; TOPMed 0.00373.

Submission:

CeGaT Center for Human Genetics Tuebingen
Classification: Likely benign. Last evaluated: 2025-11-01. Review status: criteria provided, single submitter. Criteria: CeGaT Center For Human Genetics Tuebingen Variant Classification Criteria Version 2. Collection method: clinical testing. Allele origin: germline. Affected: yes. Observed: 3 variant alleles.
Comment: GCH1: BS2